The following is an entry in ClinVar:

NM_003803.4(MYOM1):c.2741C>T (p.Ala914Val)

Gene: MYOM1 (myomesin 1; minus strand). Cytogenetic location: 18p11.31.
Variant type: single nucleotide variant.
Coding change: c.2741C>T on transcript NM_003803.4 (MANE Select); coding-DNA position 2741, C replaced by T.
Protein change: p.Ala914Val; replaces alanine 914 with valine.
Molecular consequence: missense variant. On other transcripts: intron variant (1).
Genome position (GRCh38, 1-based): chr18:3,129,285, G>A on the plus strand (C>T on the coding strand, the complement: MYOM1 is on the minus strand). VCF-style: chr18-3129285-G-A. GRCh37 (hg19) VCF-style: chr18-3129283-G-A.
Other names: c.2506+2090C>T (NM_019856.2); short protein forms A914V.
Identifiers: ClinVar variation 3619026 (VCV003619026.2).

ClinVar aggregate classification (germline): Uncertain significance (1 of 4 stars; one submission).

Conditions:
Hypertrophic cardiomyopathy. Also called: HYPERTROPHIC MYOCARDIOPATHY. Identifiers: Orphanet 217569, MedGen C0007194, MeSH D002312, MONDO:0005045, HP:0001639.

gnomAD v4.1: 5 of 1,613,966 alleles (0.00031%); highest among the groups gnomAD compares: South Asian, 0.0011%; no homozygotes.

Submission:

Labcorp Genetics (formerly Invitae), Labcorp
Classification: Uncertain significance for Hypertrophic cardiomyopathy. Last evaluated: 2024-03-07. Review status: criteria provided, single submitter. Criteria: Invitae Variant Classification Sherloc (09022015). Collection method: clinical testing. Allele origin: germline.
Comment: This sequence change replaces alanine, which is neutral and non-polar, with valine, which is neutral and non-polar, at codon 914 of the MYOM1 protein (p.Ala914Val). This variant is present in population databases (no rsID available, gnomAD 0.0009%). This variant has not been reported in the literature in individuals affected with MYOM1-related conditions. Algorithms developed to predict the effect of missense changes on protein structure and function output the following: SIFT: "Not Available"; PolyPhen-2: "Benign"; Align-GVGD: "Not Available". The valine amino acid residue is found in multiple mammalian species, which suggests that this missense change does not adversely affect protein function. In summary, the available evidence is currently insufficient to determine the role of this variant in disease. Therefore, it has been classified as a Variant of Uncertain Significance.